The following is an entry in ClinVar:

ClinVar aggregate classification (germline): Uncertain significance (0 of 4 stars; one submission).

Conditions:
PLXNA4-related disorder. Also called: PLXNA4-related condition.

Allele frequency attached by ClinVar (database versions not stated): gnomAD 0.00001; TOPMed 0.00002.
gnomAD v4.1: 1 of 1,614,044 alleles (0.000062%); highest among the groups gnomAD compares: African/African-American, 0.0013%; no homozygotes.

Submission:

PreventionGenetics, part of Exact Sciences
Classification: Uncertain significance for PLXNA4-related condition. Last evaluated: 2024-02-22. Review status: no assertion criteria provided. Collection method: clinical testing. Allele origin: germline.
Comment: The PLXNA4 c.5636T>G variant is predicted to result in the amino acid substitution p.Leu1879Arg. To our knowledge, this variant has not been reported in the literature. This variant is reported in 0.011% of alleles in individuals of African descent in gnomAD. At this time, the clinical significance of this variant is uncertain due to the absence of conclusive functional and genetic evidence.

NM_020911.2(PLXNA4):c.5636T>G (p.Leu1879Arg)

Gene: PLXNA4 (plexin A4; minus strand). Cytogenetic location: 7q32.3.
Variant type: single nucleotide variant.
Coding change: c.5636T>G on transcript NM_020911.2 (MANE Select); coding-DNA position 5636, T replaced by G.
Protein change: p.Leu1879Arg; replaces leucine 1879 with arginine.
Molecular consequence: missense variant.
Genome position (GRCh38, 1-based): chr7:132,130,528, A>C on the plus strand (T>G on the coding strand, the complement: PLXNA4 is on the minus strand). VCF-style: chr7-132130528-A-C. GRCh37 (hg19) VCF-style: chr7-131815287-A-C.
Other names: c.5636T>G, p.Leu1879Arg (NM_001393897.1); short protein forms L1879R.
Identifiers: ClinVar variation 3044029 (VCV003044029.2), dbSNP rs1296546484, ClinGen allele CA369302254.
Genomic context (GRCh38, chr7:132,130,528, plus strand): 5'-AAGGACGGTTCTCAGCTGTCTAAGCTCATGAGGGTTATGACTTGTTCTAGTTTGTAGGCC[A>C]GTTTCTGCTTCCCACACTGGTCATCGTGGTCCAGAGGTCCAAGGATCTGCGGAAGGGCCA-3'
Protein context (NP_065962.1, residues 1869-1889): DHDDQCGKQK[Leu1879Arg]AYKLEQVITL